The following is an entry in ClinVar:

ClinVar aggregate classification (germline): Uncertain significance. Review status: criteria provided, multiple submitters, no conflicts (2 of 4 stars). 2 submissions from 2 submitters: Uncertain significance (2). Last evaluated 2025-05-16.

Allele frequency attached by ClinVar (database versions not stated): TOPMed 0.00004; ESP Exome Variant Server 0.00008.

Submissions (2):

Labcorp Genetics (formerly Invitae), Labcorp
Classification: Uncertain significance. Last evaluated: 2025-05-16. Review status: criteria provided, single submitter. Criteria: Invitae Variant Classification Sherloc (09022015). Collection method: clinical testing. Allele origin: germline.
Comment: This sequence change replaces arginine, which is basic and polar, with histidine, which is basic and polar, at codon 381 of the COMP protein (p.Arg381His). This variant is present in population databases (rs144953891, gnomAD 0.004%). This variant has not been reported in the literature in individuals affected with COMP-related conditions. ClinVar contains an entry for this variant (Variation ID: 2912503). Invitae Evidence Modeling of protein sequence and biophysical properties (such as structural, functional, and spatial information, amino acid conservation, physicochemical variation, residue mobility, and thermodynamic stability) indicates that this missense variant is not expected to disrupt COMP protein function with a negative predictive value of 80%. In summary, the available evidence is currently insufficient to determine the role of this variant in disease. Therefore, it has been classified as a Variant of Uncertain Significance.

GeneDx
Classification: Uncertain significance. Last evaluated: 2024-07-10. Review status: criteria provided, single submitter. Criteria: GeneDx Variant Classification Process June 2021. Collection method: clinical testing. Allele origin: germline. Affected: yes.
Comment: In silico analysis indicates that this missense variant does not alter protein structure/function; Has not been previously published as pathogenic or benign to our knowledge

NM_000095.3(COMP):c.1142G>A (p.Arg381His)

Gene: COMP (cartilage oligomeric matrix protein; minus strand). Cytogenetic location: 19p13.11.
Variant type: single nucleotide variant.
Coding change: c.1142G>A on transcript NM_000095.3 (MANE Select); coding-DNA position 1142, G replaced by A.
Protein change: p.Arg381His; replaces arginine 381 with histidine.
Molecular consequence: missense variant.
Genome position (GRCh38, 1-based): chr19:18,786,644, C>T on the plus strand (G>A on the coding strand, the complement: COMP is on the minus strand). VCF-style: chr19-18786644-C-T. GRCh37 (hg19) VCF-style: chr19-18897454-C-T.
Other names: c.1142G>A (NM_000095.2); short protein forms R381H.
Identifiers: ClinVar variation 2912503 (VCV002912503.4), dbSNP rs144953891, ClinGen allele CA9316508.